The following is an entry in ClinVar:

ClinVar aggregate classification (germline): Uncertain significance (1 of 4 stars; one submission).

gnomAD v4.1: 1 of 1,609,646 alleles (0.000062%); highest among the groups gnomAD compares: African/African-American, 0.0013%; no homozygotes.

Submission:

Labcorp Genetics (formerly Invitae), Labcorp
Classification: Uncertain significance. Last evaluated: 2025-09-09. Review status: criteria provided, single submitter. Criteria: Invitae Variant Classification Sherloc (09022015). Collection method: clinical testing. Allele origin: germline.
Comment: This sequence change replaces arginine, which is basic and polar, with leucine, which is neutral and non-polar, at codon 201 of the GATA5 protein (p.Arg201Leu). This variant is not present in population databases (gnomAD no frequency). This variant has not been reported in the literature in individuals affected with GATA5-related conditions. Invitae Evidence Modeling of protein sequence and biophysical properties (such as structural, functional, and spatial information, amino acid conservation, physicochemical variation, residue mobility, and thermodynamic stability) indicates that this missense variant is expected to disrupt GATA5 protein function with a positive predictive value of 80%. In summary, the available evidence is currently insufficient to determine the role of this variant in disease. Therefore, it has been classified as a Variant of Uncertain Significance.

NM_080473.5(GATA5):c.602G>T (p.Arg201Leu)

Gene: GATA5 (GATA binding protein 5; minus strand). Cytogenetic location: 20q13.33.
Variant type: single nucleotide variant.
Coding change: c.602G>T on transcript NM_080473.5 (MANE Select); coding-DNA position 602, G replaced by T.
Protein change: p.Arg201Leu; replaces arginine 201 with leucine.
Molecular consequence: missense variant.
Genome position (GRCh38, 1-based): chr20:62,473,500, C>A on the plus strand (G>T on the coding strand, the complement: GATA5 is on the minus strand). VCF-style: chr20-62473500-C-A. GRCh37 (hg19) VCF-style: chr20-61048556-C-A.
Other names: short protein forms R201L.
Identifiers: ClinVar variation 4695401 (VCV004695401.1).